The following is an entry in ClinVar:

ClinVar aggregate classification (germline): Uncertain significance (1 of 4 stars; one submission).

Conditions:
Hereditary cancer-predisposing syndrome. Also called: Tumor predisposition; Hereditary Cancer Syndrome; Hereditary neoplastic syndrome; Neoplastic Syndromes, Hereditary. Identifiers: Orphanet 140162, MedGen C0027672, MeSH D009386, MONDO:0015356.

Submission:

Ambry Genetics
Classification: Uncertain significance for Hereditary cancer-predisposing syndrome. Last evaluated: 2025-12-13. Review status: criteria provided, single submitter. Criteria: Ambry Variant Classification Scheme 2023. Collection method: clinical testing. Allele origin: germline.
Comment: The p.L220V variant (also known as c.658C>G), located in coding exon 3 of the SMARCA4 gene, results from a C to G substitution at nucleotide position 658. The leucine at codon 220 is replaced by valine, an amino acid with highly similar properties. This amino acid position is conserved. In addition, this alteration is predicted to be tolerated by in silico analysis. Based on the available evidence, the clinical significance of this variant remains unclear.

NM_003072.5(SMARCA4):c.658C>G (p.Leu220Val)

Gene: SMARCA4 (SWI/SNF related BAF chromatin remodeling complex subunit ATPase 4; plus strand). Cytogenetic location: 19p13.2.
Variant type: single nucleotide variant.
Coding change: c.658C>G on transcript NM_003072.5 (MANE Select); coding-DNA position 658, C replaced by G.
Protein change: p.Leu220Val; replaces leucine 220 with valine.
Molecular consequence: missense variant. On other transcripts: non-coding transcript variant (1).
Genome position (GRCh38, 1-based): chr19:10,986,491, C>G. VCF-style: chr19-10986491-C-G. GRCh37 (hg19) VCF-style: chr19-11097167-C-G.
Other names: c.658C>G, p.Leu220Val (NM_001128844.3, NM_001128845.2, NM_001128846.2 and 6 more transcripts); short protein forms L220V.
Identifiers: ClinVar variation 4548815 (VCV004548815.1).